The following is an entry in ClinVar:

ClinVar aggregate classification (germline): Uncertain significance (1 of 4 stars; one submission).

Conditions:
Osteogenesis imperfecta type 8 (OI8). Identifiers: MedGen C1970458, MONDO:0012581, OMIM 610915.

Allele frequency attached by ClinVar (database versions not stated): gnomAD 0.00001; gnomAD exomes 0.00001; TOPMed 0.00002.
gnomAD v4.1: 9 of 1,613,976 alleles (0.00056%); highest among the groups gnomAD compares: South Asian, 0.0033%; no homozygotes.

Submission:

ARUP Laboratories, Molecular Genetics and Genomics, ARUP Laboratories
Classification: Uncertain significance for Osteogenesis imperfecta type 8. Last evaluated: 2018-07-31. Review status: criteria provided, single submitter. Criteria: ARUP Molecular Germline Variant Investigation Process. Collection method: clinical testing. Allele origin: germline.
Comment: The P3H1 c.1909G>A; p.Val637Met variant (rs983158177), to our knowledge, is not described in the medical literature or in gene-specific databases. It is also absent from general population databases (1000 Genomes Project, Exome Variant Server, and Genome Aggregation Database), indicating it is not a common polymorphism. The valine at codon 637 is moderately conserved, but computational algorithms (PolyPhen-2: benign, SIFT: damaging) predict conflicting effects of this variant on protein structure/function. Due to lack of clinical and functional data regarding this variant, its clinical significance cannot be determined with certainty.

NM_022356.4(P3H1):c.1909G>A (p.Val637Met)

Gene: P3H1 (prolyl 3-hydroxylase 1; minus strand). Cytogenetic location: 1p34.2.
Variant type: single nucleotide variant.
Coding change: c.1909G>A on transcript NM_022356.4 (MANE Select); coding-DNA position 1909, G replaced by A.
Protein change: p.Val637Met; replaces valine 637 with methionine.
Molecular consequence: missense variant.
Genome position (GRCh38, 1-based): chr1:42,747,728, C>T on the plus strand (G>A on the coding strand, the complement: P3H1 is on the minus strand). VCF-style: chr1-42747728-C-T. GRCh37 (hg19) VCF-style: chr1-43213399-C-T.
Other names: c.1909G>A, p.Val637Met (NM_001146289.2, NM_001243246.2); short protein forms V637M.
Identifiers: ClinVar variation 811717 (VCV000811717.8), dbSNP rs983158177, ClinGen allele CA21241519.